The following is an entry in ClinVar:

ClinVar aggregate classification (germline): Uncertain significance. Review status: criteria provided, multiple submitters, no conflicts (2 of 4 stars). 2 submissions from 2 submitters: Uncertain significance (2). Last evaluated 2026-07-31.

Conditions:
Multiple endocrine neoplasia, type 2 (MEN2). Identifiers: Orphanet 653, MedGen C4048306, MONDO:0019003. Disease mechanism: gain of function.
Hereditary cancer-predisposing syndrome. Also called: Tumor predisposition; Hereditary Cancer Syndrome; Hereditary neoplastic syndrome; Neoplastic Syndromes, Hereditary. Identifiers: Orphanet 140162, MedGen C0027672, MeSH D009386, MONDO:0015356.

Submissions (2):

Ambry Genetics
Classification: Uncertain significance for Hereditary cancer-predisposing syndrome. Last evaluated: 2026-07-31. Review status: criteria provided, single submitter. Criteria: Ambry Variant Classification Scheme 2023. Collection method: clinical testing. Allele origin: germline.
Comment: The p.G74R variant (also known as c.220G>C), located in coding exon 2 of the RET gene, results from a G to C substitution at nucleotide position 220. The glycine at codon 74 is replaced by arginine, an amino acid with dissimilar properties. This amino acid position is conserved. In addition, this alteration is predicted to be tolerated by in silico analysis. Based on the available evidence, the clinical significance of this variant remains unclear.

All of Us Research Program, National Institutes of Health
Classification: Uncertain significance for Multiple endocrine neoplasia, type 2. Last evaluated: 2024-02-22. Review status: criteria provided, single submitter. Criteria: ACMG Guidelines, 2015. Collection method: clinical testing. Allele origin: germline. Inheritance: Autosomal dominant inheritance. Observed: 1 variant allele, 1 heterozygote.
Comment: This missense variant replaces glycine with arginine at codon 74 of the RET protein. Computational prediction suggests that this variant may not impact protein structure and function (internally defined REVEL score threshold <= 0.5, PMID: 27666373). To our knowledge, functional studies have not been reported for this variant. This variant has not been reported in individuals affected with RET-related disorders in the literature. This variant has not been identified in the general population by the Genome Aggregation Database (gnomAD). The available evidence is insufficient to determine the role of this variant in disease conclusively. Therefore, this variant is classified as a Variant of Uncertain Significance.

This study involves interpretation of variants in research participants for the purpose of population health screening. Participant phenotype was not available at the time of variant classification. Additional details can be found in publication PMID: 35346344, PMCID: PMC8962531

NM_020975.6(RET):c.220G>C (p.Gly74Arg)

Gene: RET (ret proto-oncogene; plus strand). Cytogenetic location: 10q11.21.
Variant type: single nucleotide variant.
Coding change: c.220G>C on transcript NM_020975.6 (MANE Select); coding-DNA position 220, G replaced by C.
Protein change: p.Gly74Arg; replaces glycine 74 with arginine.
Molecular consequence: missense variant. On other transcripts: intron variant (4).
Genome position (GRCh38, 1-based): chr10:43,100,605, G>C. VCF-style: chr10-43100605-G-C. GRCh37 (hg19) VCF-style: chr10-43596053-G-C.
Other names: c.220G>C, p.Gly74Arg (NM_001406743.1, NM_001406744.1, NM_001406759.1 and 32 more transcripts); c.74-8426G>C (NM_001406784.1); c.74-11494G>C (NM_001406794.1, NM_001406792.1, NM_001406793.1); short protein forms G74R.
Identifiers: ClinVar variation 3387582 (VCV003387582.2).